The following is an entry in ClinVar:

ClinVar aggregate classification (germline): Uncertain significance. Review status: criteria provided, multiple submitters, no conflicts (2 of 4 stars). 2 submissions from 2 submitters: Uncertain significance (2). Last evaluated 2025-02-28.

Allele frequency attached by ClinVar (database versions not stated): gnomAD exomes below 0.00001.
gnomAD v4.1: 2 of 1,612,730 alleles (0.00012%); highest among the groups gnomAD compares: Non-Finnish European, 0.00017%; no homozygotes.

Submissions (2):

Ambry Genetics
Classification: Uncertain significance. Last evaluated: 2025-02-28. Review status: criteria provided, single submitter. Criteria: Ambry Variant Classification Scheme 2023. Collection method: clinical testing. Allele origin: germline.
Comment: The p.S392N variant (also known as c.1175G>A), located in coding exon 9 of the RECQL gene, results from a G to A substitution at nucleotide position 1175. The serine at codon 392 is replaced by asparagine, an amino acid with highly similar properties. This amino acid position is conserved. In addition, the in silico prediction for this alteration is inconclusive. Since supporting evidence is limited at this time, the clinical significance of this alteration remains unclear.

Labcorp Genetics (formerly Invitae), Labcorp
Classification: Uncertain significance. Last evaluated: 2022-08-10. Review status: criteria provided, single submitter. Criteria: Invitae Variant Classification Sherloc (09022015). Collection method: clinical testing. Allele origin: germline.
Comment: This sequence change replaces serine, which is neutral and polar, with asparagine, which is neutral and polar, at codon 392 of the RECQL protein (p.Ser392Asn). In summary, the available evidence is currently insufficient to determine the role of this variant in disease. Therefore, it has been classified as a Variant of Uncertain Significance. Algorithms developed to predict the effect of missense changes on protein structure and function are either unavailable or do not agree on the potential impact of this missense change (SIFT: "Tolerated"; PolyPhen-2: "Probably Damaging"; Align-GVGD: "Class C0"). This variant has not been reported in the literature in individuals affected with RECQL-related conditions. This variant is not present in population databases (gnomAD no frequency).

NM_002907.4(RECQL):c.1175G>A (p.Ser392Asn)

Gene: RECQL (RecQ like helicase; minus strand). Cytogenetic location: 12p12.1.
Variant type: single nucleotide variant.
Coding change: c.1175G>A on transcript NM_002907.4 (MANE Select); coding-DNA position 1175, G replaced by A.
Protein change: p.Ser392Asn; replaces serine 392 with asparagine.
Molecular consequence: missense variant.
Genome position (GRCh38, 1-based): chr12:21,475,509, C>T on the plus strand (G>A on the coding strand, the complement: RECQL is on the minus strand). VCF-style: chr12-21475509-C-T. GRCh37 (hg19) VCF-style: chr12-21628443-C-T.
Other names: c.1175G>A (NM_002907.3); c.1175G>A, p.Ser392Asn (NM_032941.3); short protein forms S392N.
Identifiers: ClinVar variation 2176825 (VCV002176825.7), dbSNP rs2137337795, ClinGen allele CA384119529.